The following is an entry in ClinVar:

NM_002834.5(PTPN11):c.1552G>A (p.Val518Ile)

Gene: PTPN11 (protein tyrosine phosphatase non-receptor type 11; plus strand). Cytogenetic location: 12q24.13.
Variant type: single nucleotide variant.
Coding change: c.1552G>A on transcript NM_002834.5 (MANE Select); coding-DNA position 1552, G replaced by A.
Protein change: p.Val518Ile; replaces valine 518 with isoleucine.
Molecular consequence: missense variant.
Genome position (GRCh38, 1-based): chr12:112,489,128, G>A. VCF-style: chr12-112489128-G-A. GRCh37 (hg19) VCF-style: chr12-112926932-G-A.
Other names: c.1564G>A, p.Val522Ile (NM_001330437.2); c.1549G>A, p.Val517Ile (NM_001374625.1); short protein forms V518I, V517I, V522I.
Identifiers: ClinVar variation 3637668 (VCV003637668.2).

ClinVar aggregate classification (germline): Uncertain significance (1 of 4 stars; one submission).

Conditions:
RASopathy. Also called: Noonan spectrum disorder; rasopathies. Identifiers: Orphanet 536391, MedGen C5555857, MONDO:0021060.

Submission:

Labcorp Genetics (formerly Invitae), Labcorp
Classification: Uncertain significance for RASopathy. Last evaluated: 2025-02-27. Review status: criteria provided, single submitter. Criteria: Invitae Variant Classification Sherloc (09022015). Collection method: clinical testing. Allele origin: germline.
Comment: This sequence change replaces valine, which is neutral and non-polar, with isoleucine, which is neutral and non-polar, at codon 518 of the PTPN11 protein (p.Val518Ile). This variant is not present in population databases (gnomAD no frequency). This variant has not been reported in the literature in individuals affected with PTPN11-related conditions. Invitae Evidence Modeling of protein sequence and biophysical properties (such as structural, functional, and spatial information, amino acid conservation, physicochemical variation, residue mobility, and thermodynamic stability) has been performed for this missense variant. However, the output from this modeling did not meet the statistical confidence thresholds required to predict the impact of this variant on PTPN11 protein function. In summary, the available evidence is currently insufficient to determine the role of this variant in disease. Therefore, it has been classified as a Variant of Uncertain Significance.